The following is an entry in ClinVar:

NM_000359.3(TGM1):c.1297T>C (p.Trp433Arg)

Gene: TGM1 (transglutaminase 1; minus strand). Cytogenetic location: 14q12.
Variant type: single nucleotide variant.
Coding change: c.1297T>C on transcript NM_000359.3 (MANE Select); coding-DNA position 1297, T replaced by C.
Protein change: p.Trp433Arg; replaces tryptophan 433 with arginine.
Molecular consequence: missense variant.
Genome position (GRCh38, 1-based): chr14:24,258,536, A>G on the plus strand (T>C on the coding strand, the complement: TGM1 is on the minus strand). VCF-style: chr14-24258536-A-G. GRCh37 (hg19) VCF-style: chr14-24727742-A-G.
Other names: short protein forms W433R.
Identifiers: ClinVar variation 4076252 (VCV004076252.1).

ClinVar aggregate classification (germline): Uncertain significance (1 of 4 stars; one submission).

Conditions:
Autosomal recessive congenital ichthyosis 1 (LI1). Also called: COLLODION FETUS; DESQUAMATION OF NEWBORN; ICHTHYOSIS, CONGENITAL, AUTOSOMAL RECESSIVE 1, WITH BATHING SUIT DISTRIBUTION; ICHTHYOSIS, CONGENITAL, AUTOSOMAL RECESSIVE 1, WITH OR WITHOUT BATHING SUIT DISTRIBUTION; ICHTHYOSIS CONGENITA; ICHTHYOSIS CONGENITA II. Identifiers: MedGen C4551630, MONDO:0009441, OMIM 242300.

Submission:

Laboratorio de Genetica e Diagnostico Molecular, Hospital Israelita Albert Einstein
Classification: Uncertain significance for Autosomal recessive congenital ichthyosis 1. Last evaluated: 2023-10-20. Review status: criteria provided, single submitter. Criteria: ACMG Guidelines, 2015. Collection method: clinical testing. Allele origin: germline. Affected: yes.
Comment: ACMG classification criteria: PM2 supporting, PM3 supporting, PP3 supporting